The following is an entry in ClinVar:

ClinVar aggregate classification (germline): Uncertain significance (1 of 4 stars; one submission).

Submission:

GeneDx
Classification: Uncertain significance. Last evaluated: 2025-02-06. Review status: criteria provided, single submitter. Criteria: GeneDx Variant Classification Process June 2021. Collection method: clinical testing. Allele origin: germline. Affected: yes.
Comment: Not observed at significant frequency in large population cohorts (gnomAD); In silico analysis indicates that this missense variant does not alter protein structure/function; Has not been previously published as pathogenic or benign to our knowledge

NM_001127464.1:c.5522G>A

Gene: ZNF469 (zinc finger protein 469; plus strand).
Variant type: single nucleotide variant.
Identifiers: ClinVar variation 4074666 (VCV004074666.1).